The following is an entry in ClinVar:

NM_002474.3(MYH11):c.5887G>A (p.Ala1963Thr)

Genes: MYH11 (myosin heavy chain 11; minus strand), NDE1 (nudE neurodevelopment protein 1; plus strand). Cytogenetic location: 16p13.11.
Variant type: single nucleotide variant.
Coding change: c.5887G>A on transcript NM_002474.3 (MANE Select); coding-DNA position 5887, G replaced by A.
Protein change: p.Ala1963Thr; replaces alanine 1963 with threonine.
Molecular consequence: missense variant. On other transcripts: 3 prime UTR variant (2), intron variant (2).
Genome position (GRCh38, 1-based): chr16:15,704,023, C>T on the plus strand (G>A on the coding strand, the complement: MYH11 is on the minus strand). VCF-style: chr16-15704023-C-T. GRCh37 (hg19) VCF-style: chr16-15797880-C-T.
Other names: c.5908G>A (NM_001040114.1); c.*109G>A (NM_001040113.2, NM_022844.3); c.5908G>A, p.Ala1970Thr (NM_001040114.2); c.947+7163C>T (NM_001143979.2, NM_017668.3); short protein forms A1963T, A1970T.
Identifiers: ClinVar variation 419054 (VCV000419054.11), dbSNP rs146413415, ClinGen allele CA7921043.

ClinVar aggregate classification (germline): Uncertain significance. Review status: criteria provided, multiple submitters, no conflicts (2 of 4 stars). 6 submissions from 6 submitters: Uncertain significance (6). Last evaluated 2026-07-01.

Conditions:
Visceral myopathy 2. Identifiers: MedGen C5543466, MONDO:0859157, OMIM 619350.
Megacystis-microcolon-intestinal hypoperistalsis syndrome 2. Identifiers: MedGen C5543476, MONDO:0025708, OMIM 619351.
Aortic aneurysm, familial thoracic 4 (AAT4). Also called: AORTIC ANEURYSM/AORTIC DISSECTION AND PATENT DUCTUS ARTERIOSUS. Identifiers: MedGen C1851504, MONDO:0007568, OMIM 132900.
MYH11-related disorder. Also called: MYH11-related condition.
Familial thoracic aortic aneurysm and aortic dissection (TAAD). Also called: Thoracic aortic aneurysms and dissections. Identifiers: Orphanet 91387, MedGen C4707243, MONDO:0019625.

Allele frequency attached by ClinVar (database versions not stated): ExAC 0.00002; gnomAD 0.00004; gnomAD exomes 0.00004; TOPMed 0.00005; ESP Exome Variant Server 0.00008; 1000 Genomes Project 30x 0.00016.
gnomAD v4.1: 218 of 1,614,044 alleles (0.014%); highest among the groups gnomAD compares: Non-Finnish European, 0.017%; no homozygotes.

Submissions (6):

CeGaT Center for Human Genetics Tuebingen
Classification: Uncertain significance. Last evaluated: 2026-07-01. Review status: criteria provided, single submitter. Criteria: CeGaT Center For Human Genetics Tuebingen Variant Classification Criteria Version 2. Collection method: clinical testing. Allele origin: germline. Affected: yes. Observed: 1 variant allele.
Comment: MYH11: PM2, BP4

PreventionGenetics, part of Exact Sciences
Classification: Uncertain significance for MYH11-related condition. Last evaluated: 2025-06-18. Review status: criteria provided, single submitter. Criteria: ACMG Guidelines, 2015. Collection method: clinical testing. Allele origin: germline.
Comment: The MYH11 c.5908G>A variant is predicted to result in the amino acid substitution p.Ala1970Thr. To our knowledge, this variant has not been reported in the literature. This variant is reported in 0.0065% of alleles in individuals of South Asian descent in gnomAD. At this time, the clinical significance of this variant is uncertain due to the absence of conclusive functional and genetic evidence.

Ambry Genetics
Classification: Uncertain significance for Familial thoracic aortic aneurysm and aortic dissection. Last evaluated: 2024-03-13. Review status: criteria provided, single submitter. Criteria: Ambry Variant Classification Scheme 2023. Collection method: clinical testing. Allele origin: germline.
Comment: The p.A1963T variant (also known as c.5887G>A), located in coding exon 40 of the MYH11 gene, results from a G to A substitution at nucleotide position 5887. The alanine at codon 1963 is replaced by threonine, an amino acid with similar properties. This variant has been observed in at least one individual with a personal and/or family history that is consistent with thoracic aortic aneurysm and dissection (Ambry internal data). This amino acid position is not well conserved in available vertebrate species. In addition, this alteration is predicted to be tolerated by in silico analysis. Since supporting evidence is limited at this time, the clinical significance of this alteration remains unclear for autosomal dominant thoracic aortic aneurysm and dissection; however, it is unlikely to be causative of autosomal recessive megacystis-microcolon-intestinal hypoperistalsis syndrome.

Fulgent Genetics
Classification: Uncertain significance for Aortic aneurysm, familial thoracic 4; Visceral myopathy 2; Megacystis-microcolon-intestinal hypoperistalsis syndrome 2. Last evaluated: 2024-03-12. Review status: criteria provided, single submitter. Criteria: ACMG Guidelines, 2015. Collection method: clinical testing. Allele origin: germline.

GeneDx
Classification: Uncertain significance. Last evaluated: 2023-05-16. Review status: criteria provided, single submitter. Criteria: GeneDx Variant Classification Process June 2021. Collection method: clinical testing. Allele origin: germline. Affected: yes.
Comment: Has not been previously published as pathogenic or benign to our knowledge; In silico analysis supports that this missense variant does not alter protein structure/function

Color Diagnostics, LLC DBA Color Health
Classification: Uncertain significance for Familial thoracic aortic aneurysm and aortic dissection. Last evaluated: 2019-09-12. Review status: criteria provided, single submitter. Criteria: ACMG Guidelines, 2015. Collection method: clinical testing. Allele origin: germline.
Comment: This variant is located in the 3' untranslated region of the MYH11 protein. To our knowledge, functional studies have not been performed for this variant. This variant has not been reported in individuals affected with cardiovascular disorders in the literature. This variant has been identified in 11/282854 chromosomes in the general population by the Genome Aggregation Database (gnomAD). The available evidence is insufficient to determine the role of this variant in disease conclusively. Therefore, this variant is classified as a Variant of Uncertain Significance.